The following is an entry in ClinVar:

NM_005359.6(SMAD4):c.203C>G (p.Pro68Arg)

Gene: SMAD4 (SMAD family member 4; plus strand). Cytogenetic location: 18q21.2.
Variant type: single nucleotide variant.
Coding change: c.203C>G on transcript NM_005359.6 (MANE Select); coding-DNA position 203, C replaced by G.
Protein change: p.Pro68Arg; replaces proline 68 with arginine.
Molecular consequence: missense variant.
Genome position (GRCh38, 1-based): chr18:51,047,249, C>G. VCF-style: chr18-51047249-C-G. GRCh37 (hg19) VCF-style: chr18-48573619-C-G.
Other names: c.203C>G, p.Pro68Arg (NM_001407041.1, NM_001407042.1, NM_001407043.1); short protein forms P68R.
Identifiers: ClinVar variation 1784867 (VCV001784867.3), dbSNP rs1599181216, ClinGen allele CA402458009.

ClinVar aggregate classification (germline): Uncertain significance (1 of 4 stars; one submission).

Conditions:
Familial thoracic aortic aneurysm and aortic dissection (TAAD). Also called: Thoracic aortic aneurysms and dissections. Identifiers: Orphanet 91387, MedGen C4707243, MONDO:0019625.
Hereditary cancer-predisposing syndrome. Also called: Hereditary Cancer Syndrome; Hereditary neoplastic syndrome; Neoplastic Syndromes, Hereditary; Tumor predisposition. Identifiers: Orphanet 140162, MedGen C0027672, MeSH D009386, MONDO:0015356.

Allele frequency attached by ClinVar (database versions not stated): gnomAD exomes below 0.00001.
gnomAD v4.1: 1 of 1,613,792 alleles (0.000062%); highest among the groups gnomAD compares: Non-Finnish European, 0.000085%; no homozygotes.

Submission:

Ambry Genetics
Classification: Uncertain significance for Hereditary cancer-predisposing syndrome; Familial thoracic aortic aneurysm and aortic dissection. Last evaluated: 2026-07-30. Review status: criteria provided, single submitter. Criteria: Ambry Variant Classification Scheme 2023. Collection method: clinical testing. Allele origin: germline.
Comment: The p.P68R variant (also known as c.203C>G), located in coding exon 1 of the SMAD4 gene, results from a C to G substitution at nucleotide position 203. The proline at codon 68 is replaced by arginine, an amino acid with dissimilar properties. This amino acid position is highly conserved in available vertebrate species. In addition, this alteration is predicted to be deleterious by in silico analysis. Based on the available evidence, the clinical significance of this variant remains unclear.